The following is an entry in ClinVar:

NM_003793.4(CTSF):c.722-3C>A

Gene: CTSF (cathepsin F; minus strand). Cytogenetic location: 11q13.2.
Variant type: single nucleotide variant.
Coding change: c.722-3C>A on transcript NM_003793.4 (MANE Select); 3 bases into the intron before coding-DNA position 722, C replaced by A.
Molecular consequence: intron variant.
Genome position (GRCh38, 1-based): chr11:66,566,170, G>T on the plus strand (C>A on the coding strand, the complement: CTSF is on the minus strand). VCF-style: chr11-66566170-G-T. GRCh37 (hg19) VCF-style: chr11-66333641-G-T.
Identifiers: ClinVar variation 1491051 (VCV001491051.3), dbSNP rs1857927546, ClinGen allele CA938994234.

ClinVar aggregate classification (germline): Uncertain significance (1 of 4 stars; one submission).

Conditions:
Neuronal ceroid lipofuscinosis 13 (CLN13). Also called: CLN13 Disease; CEROID LIPOFUSCINOSIS, NEURONAL, 13 (KUFS TYPE). Identifiers: Orphanet 352709, Orphanet 79262, MedGen C3715049, MONDO:0014147, OMIM 615362.

Allele frequency attached by ClinVar (database versions not stated): TOPMed below 0.00001; gnomAD 0.00001; gnomAD exomes 0.00001.

Submission:

Labcorp Genetics (formerly Invitae), Labcorp
Classification: Uncertain significance for Neuronal ceroid lipofuscinosis 13. Last evaluated: 2022-06-13. Review status: criteria provided, single submitter. Criteria: Invitae Variant Classification Sherloc (09022015). Collection method: clinical testing. Allele origin: germline.
Comment: This sequence change falls in intron 5 of the CTSF gene. It does not directly change the encoded amino acid sequence of the CTSF protein. It affects a nucleotide within the consensus splice site. This variant is not present in population databases (gnomAD no frequency). This variant has not been reported in the literature in individuals affected with CTSF-related conditions. Variants that disrupt the consensus splice site are a relatively common cause of aberrant splicing (PMID: 17576681, 9536098). Algorithms developed to predict the effect of sequence changes on RNA splicing suggest that this variant is not likely to affect RNA splicing. In summary, the available evidence is currently insufficient to determine the role of this variant in disease. Therefore, it has been classified as a Variant of Uncertain Significance.

Literature cited by the submitters: PubMed 17576681; PubMed 9536098.